The following is an entry in ClinVar:

ClinVar aggregate classification (germline): Uncertain significance (1 of 4 stars; one submission).

Conditions:
Klippel-Feil syndrome 1, autosomal dominant (KFS1). Also called: CERVICAL VERTEBRAL FUSION, AUTOSOMAL DOMINANT. Identifiers: Orphanet 2345, MedGen C1861689, MONDO:0007306, OMIM 118100.
Leber congenital amaurosis 17 (LCA17). Identifiers: Orphanet 65, MedGen C3715164, MONDO:0014145, OMIM 615360.
Isolated microphthalmia 4. Identifiers: Orphanet 2542, MedGen C2751307, MONDO:0013130, OMIM 613094.
Microphthalmia, isolated, with coloboma 6 (MCOPCB6). Also called: Microphthalmia with coloboma 6, digenic; Microphthalmia with coloboma 6; MICROPHTHALMIA/COLOBOMA 6. Identifiers: Orphanet 98938, MedGen C3150968, MONDO:0013376, OMIM 613703.

Allele frequency attached by ClinVar (database versions not stated): TOPMed below 0.00001.

Submission:

Labcorp Genetics (formerly Invitae), Labcorp
Classification: Uncertain significance for Isolated microphthalmia 4; Leber congenital amaurosis 17; Klippel-Feil syndrome 1, autosomal dominant; Microphthalmia, isolated, with coloboma 6. Last evaluated: 2021-09-24. Review status: criteria provided, single submitter. Criteria: Invitae Variant Classification Sherloc (09022015). Collection method: clinical testing. Allele origin: germline.
Comment: In summary, the available evidence is currently insufficient to determine the role of this variant in disease. Therefore, it has been classified as a Variant of Uncertain Significance. This sequence change replaces serine with threonine at codon 106 of the GDF6 protein (p.Ser106Thr). The serine residue is moderately conserved and there is a small physicochemical difference between serine and threonine. This variant is not present in population databases (ExAC no frequency). This variant has not been reported in the literature in individuals affected with GDF6-related conditions. Algorithms developed to predict the effect of missense changes on protein structure and function are either unavailable or do not agree on the potential impact of this missense change (SIFT: "Tolerated"; PolyPhen-2: "Possibly Damaging"; Align-GVGD: "Class C0").

NM_001001557.4(GDF6):c.316T>A (p.Ser106Thr)

Gene: GDF6 (growth differentiation factor 6; minus strand). Cytogenetic location: 8q22.1.
Variant type: single nucleotide variant.
Coding change: c.316T>A on transcript NM_001001557.4 (MANE Select); coding-DNA position 316, T replaced by A.
Protein change: p.Ser106Thr; replaces serine 106 with threonine.
Molecular consequence: missense variant.
Genome position (GRCh38, 1-based): chr8:96,160,377, A>T on the plus strand (T>A on the coding strand, the complement: GDF6 is on the minus strand). VCF-style: chr8-96160377-A-T. GRCh37 (hg19) VCF-style: chr8-97172605-A-T.
Other names: short protein forms S106T.
Identifiers: ClinVar variation 1501509 (VCV001501509.6), dbSNP rs751465124, ClinGen allele CA371753505.